The following is an entry in ClinVar:

NM_001378778.1(MPDZ):c.4946C>T (p.Thr1649Met)

Gene: MPDZ (multiple PDZ domain crumbs cell polarity complex component; minus strand). Cytogenetic location: 9p23.
Variant type: single nucleotide variant.
Coding change: c.4946C>T on transcript NM_001378778.1 (MANE Select); coding-DNA position 4946, C replaced by T.
Protein change: p.Thr1649Met; replaces threonine 1649 with methionine.
Molecular consequence: missense variant.
Genome position (GRCh38, 1-based): chr9:13,123,160, G>A on the plus strand (C>T on the coding strand, the complement: MPDZ is on the minus strand). VCF-style: chr9-13123160-G-A. GRCh37 (hg19) VCF-style: chr9-13123159-G-A.
Other names: c.4736C>T, p.Thr1579Met (NM_001375426.1, NM_001375420.1, NM_001375421.1 and 4 more transcripts); c.4538C>T, p.Thr1513Met (NM_001375427.1); c.4946C>T, p.Thr1649Met (NM_003829.5, NM_001330637.2); c.4946C>T (NM_003829.4, NM_003829.3); c.4847C>T, p.Thr1616Met (NM_001261406.2, NM_001261407.2, NM_001375416.1 and 3 more transcripts); c.5045C>T, p.Thr1682Met (NM_001375413.1); short protein forms T1513M, T1616M, T1579M, T1649M, T1682M.
Identifiers: ClinVar variation 1912358 (VCV001912358.6), dbSNP rs372126160, ClinGen allele CA4986524.

ClinVar aggregate classification (germline): Uncertain significance. Review status: criteria provided, multiple submitters, no conflicts (2 of 4 stars). 3 submissions from 3 submitters: Uncertain significance (3). Last evaluated 2025-04-08.

Conditions:
Inborn genetic diseases. Identifiers: MedGen C0950123, MeSH D030342.

Allele frequency attached by ClinVar (database versions not stated): gnomAD 0.00001; gnomAD exomes 0.00001; TOPMed 0.00002; ExAC 0.00005; ESP Exome Variant Server 0.00008.
gnomAD v4.1: 18 of 1,611,866 alleles (0.0011%); highest among the groups gnomAD compares: South Asian, 0.0055%; no homozygotes.

Submissions (3):

GeneDx
Classification: Uncertain significance. Last evaluated: 2025-04-08. Review status: criteria provided, single submitter. Criteria: GeneDx Variant Classification Process June 2021. Collection method: clinical testing. Allele origin: germline. Affected: yes.
Comment: In silico analysis supports that this missense variant has a deleterious effect on protein structure/function; Has not been previously published as pathogenic or benign to our knowledge

Ambry Genetics
Classification: Uncertain significance for Inborn genetic diseases. Last evaluated: 2024-06-02. Review status: criteria provided, single submitter. Criteria: Ambry Variant Classification Scheme 2023. Collection method: clinical testing. Allele origin: germline.

Labcorp Genetics (formerly Invitae), Labcorp
Classification: Uncertain significance. Last evaluated: 2023-12-18. Review status: criteria provided, single submitter. Criteria: Invitae Variant Classification Sherloc (09022015). Collection method: clinical testing. Allele origin: germline.
Comment: This sequence change replaces threonine, which is neutral and polar, with methionine, which is neutral and non-polar, at codon 1649 of the MPDZ protein (p.Thr1649Met). This variant is present in population databases (rs372126160, gnomAD 0.01%). This variant has not been reported in the literature in individuals affected with MPDZ-related conditions. ClinVar contains an entry for this variant (Variation ID: 1912358). An algorithm developed to predict the effect of missense changes on protein structure and function (PolyPhen-2) suggests that this variant is likely to be disruptive. In summary, the available evidence is currently insufficient to determine the role of this variant in disease. Therefore, it has been classified as a Variant of Uncertain Significance.